The following is an entry in ClinVar:

NM_015122.3(FCHO1):c.818C>T (p.Ala273Val)

Gene: FCHO1 (FCH and mu domain containing endocytic adaptor 1; plus strand). Cytogenetic location: 19p13.11.
Variant type: single nucleotide variant.
Coding change: c.818C>T on transcript NM_015122.3 (MANE Select); coding-DNA position 818, C replaced by T.
Protein change: p.Ala273Val; replaces alanine 273 with valine.
Molecular consequence: missense variant. On other transcripts: non-coding transcript variant (36), intron variant (1).
Genome position (GRCh38, 1-based): chr19:17,774,266, C>T. VCF-style: chr19-17774266-C-T. GRCh37 (hg19) VCF-style: chr19-17885075-C-T.
Other names: c.818C>T, p.Ala273Val (NM_001384400.1, NM_001384401.1, NM_001384402.1 and 25 more transcripts); c.668C>T, p.Ala223Val (NM_001161359.2, NM_001384384.1, NM_001384385.1 and 3 more transcripts); c.779C>T, p.Ala260Val (NM_001384388.1, NM_001384389.1, NM_001384405.1); c.743C>T, p.Ala248Val (NM_001384390.1); c.791-128C>T (NM_001384403.1); short protein forms A223V, A248V, A260V, A273V.
Identifiers: ClinVar variation 3713358 (VCV003713358.2).

ClinVar aggregate classification (germline): Uncertain significance (1 of 4 stars; one submission).

gnomAD v4.1: 40 of 1,613,924 alleles (0.0025%); highest among the groups gnomAD compares: Non-Finnish European, 0.0031%; no homozygotes.

Submission:

Labcorp Genetics (formerly Invitae), Labcorp
Classification: Uncertain significance. Last evaluated: 2024-09-30. Review status: criteria provided, single submitter. Criteria: Invitae Variant Classification Sherloc (09022015). Collection method: clinical testing. Allele origin: germline.
Comment: This sequence change replaces alanine, which is neutral and non-polar, with valine, which is neutral and non-polar, at codon 273 of the FCHO1 protein (p.Ala273Val). This variant is present in population databases (rs374509300, gnomAD 0.003%). This variant has not been reported in the literature in individuals affected with FCHO1-related conditions. An algorithm developed to predict the effect of missense changes on protein structure and function (PolyPhen-2) suggests that this variant is likely to be tolerated. In summary, the available evidence is currently insufficient to determine the role of this variant in disease. Therefore, it has been classified as a Variant of Uncertain Significance.